The following is an entry in ClinVar:

ClinVar aggregate classification (germline): Pathogenic (1 of 4 stars; one submission).

Conditions:
Long QT syndrome (LQTS). Identifiers: MedGen C0023976, MeSH D008133, MONDO:0002442. Disease mechanism: loss of function. Inheritance: Various modes of inheritance.

Submission:

Labcorp Genetics (formerly Invitae), Labcorp
Classification: Pathogenic for Long QT syndrome. Last evaluated: 2022-11-10. Review status: criteria provided, single submitter. Criteria: Invitae Variant Classification Sherloc (09022015). Collection method: clinical testing. Allele origin: germline.
Comment: For these reasons, this variant has been classified as Pathogenic. This variant has not been reported in the literature in individuals affected with KCNH2-related conditions. This variant is not present in population databases (gnomAD no frequency). This sequence change creates a premature translational stop signal (p.Tyr327Thrfs*33) in the KCNH2 gene. It is expected to result in an absent or disrupted protein product. Loss-of-function variants in KCNH2 are known to be pathogenic (PMID: 10973849, 19862833).

Literature cited by the submitters: PubMed 10973849; PubMed 19862833.

NM_000238.4(KCNH2):c.978del (p.Tyr327fs)

Gene: KCNH2 (potassium voltage-gated channel subfamily H member 2; minus strand). Cytogenetic location: 7q36.1.
Variant type: Deletion.
Coding change: c.978del on transcript NM_000238.4 (MANE Select); coding-DNA position 978, one base deleted (C; older notation c.978delC).
Protein change: p.Tyr327fs; shifts the reading frame from tyrosine 327.
Molecular consequence: frameshift variant. On other transcripts: non-coding transcript variant (1).
Genome position (GRCh38, 1-based): chr7:150,957,441, G deleted on the plus strand (C on the coding strand, the reverse complement: KCNH2 is on the minus strand). VCF-style (leftmost placement, unchanged base first): chr7-150957440-AG-A. GRCh37 (hg19) VCF-style: chr7-150654528-AG-A.
Other names: c.690del, p.Tyr231fs (NM_001406753.1, NM_001406756.1); c.801del, p.Tyr268fs (NM_001406755.1); c.678del, p.Tyr227fs (NM_001406757.1); c.978del, p.Tyr327fs (NM_172056.3); short protein forms Y231fs, Y268fs, Y327fs, Y227fs.
Identifiers: ClinVar variation 2813131 (VCV002813131.3), dbSNP rs2486082478, ClinGen allele CA2739277964.
Genomic context (GRCh38, chr7:150,957,440, plus strand): 5'-GGTCGCCCTTGAGGTCCACAAAGTTGAGGGTGATTTGGGGAATCTTGCTAATGGTGCGGT[AG>A]CGCACGAGGTCGGAGTCCGAGGTGGAGTTGAGCAAGCCGCTGCGCAGTGGGTGCATGGCC-3'